The following is an entry in ClinVar:

NM_001286.5(CLCN6):c.454-1G>A

Gene: CLCN6 (chloride voltage-gated channel 6; plus strand). Cytogenetic location: 1p36.22.
Variant type: single nucleotide variant.
Coding change: c.454-1G>A on transcript NM_001286.5 (MANE Select); the canonical splice acceptor site of the intron before coding-DNA position 454, G replaced by A.
Molecular consequence: splice acceptor variant.
Genome position (GRCh38, 1-based): chr1:11,823,706, G>A. VCF-style: chr1-11823706-G-A. GRCh37 (hg19) VCF-style: chr1-11883763-G-A.
Other names: c.388-1G>A (NM_001256959.2).
Identifiers: ClinVar variation 2754517 (VCV002754517.3), dbSNP rs2523104817, ClinGen allele CA338427779.

ClinVar aggregate classification (germline): Uncertain significance (1 of 4 stars; one submission).

Submission:

Labcorp Genetics (formerly Invitae), Labcorp
Classification: Uncertain significance. Last evaluated: 2024-05-29. Review status: criteria provided, single submitter. Criteria: Invitae Variant Classification Sherloc (09022015). Collection method: clinical testing. Allele origin: germline.
Comment: This sequence change affects an acceptor splice site in intron 6 of the CLCN6 gene. It is expected to disrupt RNA splicing. Variants that disrupt the donor or acceptor splice site typically lead to a loss of protein function (PMID: 16199547), however the current clinical and genetic evidence is not sufficient to establish whether loss-of-function variants in CLCN6 cause disease. This variant is not present in population databases (gnomAD no frequency). This variant has not been reported in the literature in individuals affected with CLCN6-related conditions. Algorithms developed to predict the effect of sequence changes on RNA splicing suggest that this variant may disrupt the consensus splice site. In summary, the available evidence is currently insufficient to determine the role of this variant in disease. Therefore, it has been classified as a Variant of Uncertain Significance.

Literature cited by the submitters: PubMed 16199547.